The following is an entry in ClinVar:

NM_018489.3(ASH1L):c.5980C>T (p.Leu1994=)

Gene: ASH1L (ASH1 like histone lysine methyltransferase; minus strand). Cytogenetic location: 1q22.
Variant type: single nucleotide variant.
Coding change: c.5980C>T on transcript NM_018489.3 (MANE Select); coding-DNA position 5980, C replaced by T.
Protein change: p.Leu1994=; no amino-acid change (leucine 1994 retained).
Molecular consequence: synonymous variant.
Genome position (GRCh38, 1-based): chr1:155,415,772, G>A on the plus strand (C>T on the coding strand, the complement: ASH1L is on the minus strand). VCF-style: chr1-155415772-G-A. GRCh37 (hg19) VCF-style: chr1-155385563-G-A.
Other names: c.5980C>T, p.Leu1994= (NM_001366177.2).
Identifiers: ClinVar variation 5040294 (VCV005040294.1).
Genomic context (GRCh38, chr1:155,415,772, plus strand): 5'-AGGGATGTTAGCTAATAGGTACTACTACTTACTCTGTAGTTTTGTAAACGTCAGAATACA[G>A]CCCTGCTTTCTGATACTTCTTCTTTGGGGGACGTGGGGGCTTCTTTTCCCTTGGGATGAG-3'
Protein context (NP_060959.2, residues 1984-2004): PPKKKYQKAG[Leu1994=]YSDVYKTTDP

ClinVar aggregate classification (germline): Likely benign (1 of 4 stars; one submission).

gnomAD v4.1: 9 of 1,613,910 alleles (0.00056%); highest among the groups gnomAD compares: South Asian, 0.0099%; no homozygotes.

Submission:

CeGaT Center for Human Genetics Tuebingen
Classification: Likely benign. Last evaluated: 2026-07-01. Review status: criteria provided, single submitter. Criteria: CeGaT Center For Human Genetics Tuebingen Variant Classification Criteria Version 2. Collection method: clinical testing. Allele origin: germline. Affected: yes. Observed: 1 variant allele.
Comment: ASH1L: BP4, BS2